The following is an entry in ClinVar:

ClinVar aggregate classification (germline): Uncertain significance. Review status: criteria provided, multiple submitters, no conflicts (2 of 4 stars). 2 submissions from 2 submitters: Uncertain significance (2). Last evaluated 2024-09-18.

Allele frequency attached by ClinVar (database versions not stated): gnomAD 0.00001; TOPMed 0.00001; gnomAD exomes 0.00002 and 0.00010.
gnomAD v4.1: 148 of 1,613,380 alleles (0.0092%); highest among the groups gnomAD compares: Non-Finnish European, 0.012%; no homozygotes.

Submissions (2):

Women's Health and Genetics/Laboratory Corporation of America, LabCorp
Classification: Uncertain significance. Last evaluated: 2024-09-18. Review status: criteria provided, single submitter. Criteria: LabCorp Variant Classification Summary - May 2015. Collection method: clinical testing. Allele origin: germline.
Comment: Variant summary: PCLO c.1427C>G (p.Pro476Arg) results in a non-conservative amino acid change in the encoded protein sequence. Three of five in-silico tools predict a benign effect of the variant on protein function. The variant allele was found at a frequency of 1.6e-05 in 248716 control chromosomes. The available data on variant occurrences in the general population are insufficient to allow any conclusion about variant significance. To our knowledge, no occurrence of c.1427C>G in individuals affected with Pontocerebellar Hypoplasia Type 3 and no experimental evidence demonstrating its impact on protein function have been reported. ClinVar contains an entry for this variant (Variation ID: 1345405). Based on the evidence outlined above, the variant was classified as uncertain significance.

Labcorp Genetics (formerly Invitae), Labcorp
Classification: Uncertain significance. Last evaluated: 2021-08-24. Review status: criteria provided, single submitter. Criteria: Invitae Variant Classification Sherloc (09022015). Collection method: clinical testing. Allele origin: germline.
Comment: This sequence change replaces proline with arginine at codon 476 of the PCLO protein (p.Pro476Arg). The proline residue is weakly conserved and there is a moderate physicochemical difference between proline and arginine. This variant is not present in population databases (ExAC no frequency). This variant has not been reported in the literature in individuals affected with PCLO-related conditions. Algorithms developed to predict the effect of missense changes on protein structure and function are either unavailable or do not agree on the potential impact of this missense change (SIFT: "Tolerated"; PolyPhen-2: "Possibly Damaging"; Align-GVGD: "Class C0"). In summary, the available evidence is currently insufficient to determine the role of this variant in disease. Therefore, it has been classified as a Variant of Uncertain Significance.

NM_033026.6(PCLO):c.1427C>G (p.Pro476Arg)

Gene: PCLO (piccolo presynaptic cytomatrix protein; minus strand). Cytogenetic location: 7q21.11.
Variant type: single nucleotide variant.
Coding change: c.1427C>G on transcript NM_033026.6 (MANE Select); coding-DNA position 1427, C replaced by G.
Protein change: p.Pro476Arg; replaces proline 476 with arginine.
Molecular consequence: missense variant.
Genome position (GRCh38, 1-based): chr7:83,155,214, G>C on the plus strand (C>G on the coding strand, the complement: PCLO is on the minus strand). VCF-style: chr7-83155214-G-C. GRCh37 (hg19) VCF-style: chr7-82784530-G-C.
Other names: c.1427C>G, p.Pro476Arg (NM_014510.3); short protein forms P476R.
Identifiers: ClinVar variation 1345405 (VCV001345405.6), dbSNP rs1260812025, ClinGen allele CA367914293.
Genomic context (GRCh38, chr7:83,155,214, plus strand): 5'-GAGCCAGGCTGTTGAGGTGGGGGCTTTGCTGGGCCAGGCTGTTGAGGTGGGGGCTTTGCT[G>C]GGCCAGGCAGTTGTGAAGGAGGCTTTGTTGGGCCAGTCTGCTGGGCAGAAGTCTTTCCGG-3'
Protein context (NP_149015.2, residues 466-486): PTKPPSQLPG[Pro476Arg]AKPPPQQPGP